The following is an entry in ClinVar:

NM_000489.6(ATRX):c.1722T>G (p.Ile574Met)

Gene: ATRX (ATRX chromatin remodeler; minus strand). Cytogenetic location: Xq21.1.
Variant type: single nucleotide variant.
Coding change: c.1722T>G on transcript NM_000489.6 (MANE Select); coding-DNA position 1722, T replaced by G.
Protein change: p.Ile574Met; replaces isoleucine 574 with methionine.
Molecular consequence: missense variant.
Genome position (GRCh38, 1-based): chrX:77,683,534, A>C on the plus strand (T>G on the coding strand, the complement: ATRX is on the minus strand). VCF-style: chrX-77683534-A-C. GRCh37 (hg19) VCF-style: chrX-76939026-A-C.
Other names: c.1608T>G, p.Ile536Met (NM_138270.5); short protein forms I536M, I574M.
Identifiers: ClinVar variation 1005839 (VCV001005839.9), dbSNP rs2071372568, ClinGen allele CA413716774.

ClinVar aggregate classification (germline): Uncertain significance (1 of 4 stars; one submission).

Conditions:
Alpha thalassemia-X-linked intellectual disability syndrome (ATRX). Also called: ALPHA-THALASSEMIA/MENTAL RETARDATION SYNDROME, X-LINKED; ATR, NONDELETION TYPE; ATR-X syndrome; Alpha thalassemia mental retardation syndrome, nondeletion type, X-linked; XLMR hypotonic face syndrome; X-linked alpha-thalassemia-mental retardation syndrome. Identifiers: Orphanet 847, MedGen C1845055, MONDO:0010519, OMIM 301040.

Allele frequency attached by ClinVar (database versions not stated): gnomAD exomes below 0.00001.
gnomAD v4.1: 1 of 1,208,847 alleles (0.000083%); highest among the groups gnomAD compares: Non-Finnish European, 0.00011%; no homozygotes.

Submission:

Labcorp Genetics (formerly Invitae), Labcorp
Classification: Uncertain significance for Alpha thalassemia-X-linked intellectual disability syndrome. Last evaluated: 2022-07-01. Review status: criteria provided, single submitter. Criteria: Invitae Variant Classification Sherloc (09022015). Collection method: clinical testing. Allele origin: germline.
Comment: This variant has not been reported in the literature in individuals affected with ATRX-related conditions. In summary, the available evidence is currently insufficient to determine the role of this variant in disease. Therefore, it has been classified as a Variant of Uncertain Significance. Algorithms developed to predict the effect of sequence changes on RNA splicing suggest that this variant may create or strengthen a splice site. Advanced modeling of protein sequence and biophysical properties (such as structural, functional, and spatial information, amino acid conservation, physicochemical variation, residue mobility, and thermodynamic stability) performed at Invitae indicates that this missense variant is not expected to disrupt ATRX protein function. ClinVar contains an entry for this variant (Variation ID: 1005839). This variant is not present in population databases (gnomAD no frequency). This sequence change replaces isoleucine, which is neutral and non-polar, with methionine, which is neutral and non-polar, at codon 574 of the ATRX protein (p.Ile574Met).